The following is an entry in ClinVar:

NM_001370259.2(MEN1):c.935_936insTCGGGATGAA (p.Tyr313fs)

Gene: MEN1 (menin 1; minus strand). Cytogenetic location: 11q13.1.
Variant type: Insertion.
Coding change: c.935_936insTCGGGATGAA on transcript NM_001370259.2 (MANE Select); coding-DNA positions 935 to 936, TCGGGATGAA inserted.
Protein change: p.Tyr313fs; shifts the reading frame from tyrosine 313.
Molecular consequence: frameshift variant. On other transcripts: non-coding transcript variant (4).
Genome position: GRCh38 VCF-style: chr11-64806345-G-GTTCATCCCGA. GRCh37 (hg19) VCF-style: chr11-64573817-G-GTTCATCCCGA.
Other names: c.950_951insTCGGGATGAA, p.Tyr318fs (NM_000244.4, NM_001407145.1, NM_001407150.1 and 5 more transcripts); c.935_936insTCGGGATGAA, p.Tyr313fs (NM_001370251.2, NM_001370260.2, NM_001370261.2 and 7 more transcripts); c.830_831insTCGGGATGAA, p.Tyr278fs (NM_001370262.2, NM_001370263.2, NM_001407148.1 and 2 more transcripts); short protein forms Y278fs, Y313fs, Y318fs.
Identifiers: ClinVar variation 2699212 (VCV002699212.3), dbSNP rs2497176367, ClinGen allele CA2697548661.
Genomic context (GRCh38, chr11:64,806,345, plus strand): 5'-GCGGTTGCGACAGTGGTAGCCAGCCAGGTACATGTAGGGGTAGATGTGTTCATCCCGATA[G>GTTCATCCCGA]TAGGTCTTGGCTGAGGCAATGCCCTGGATGGAGGTGAGGCAGAGGATCCTCAGGGAGGCA-3'

ClinVar aggregate classification (germline): Pathogenic (1 of 4 stars; one submission).

Conditions:
Multiple endocrine neoplasia, type 1 (MEN1). Also called: MEN I; WERMER SYNDROME; Endocrine adenomatosis multiple; MEN 1; MEA I. Identifiers: Orphanet 652, MedGen C0025267, MeSH D018761, MONDO:0007540, OMIM 131100.

Submission:

Labcorp Genetics (formerly Invitae), Labcorp
Classification: Pathogenic for Multiple endocrine neoplasia, type 1. Last evaluated: 2023-06-09. Review status: criteria provided, single submitter. Criteria: Invitae Variant Classification Sherloc (09022015). Collection method: clinical testing. Allele origin: germline.
Comment: This sequence change creates a premature translational stop signal (p.Tyr313Argfs*7) in the MEN1 gene. It is expected to result in an absent or disrupted protein product. Loss-of-function variants in MEN1 are known to be pathogenic (PMID: 12112656, 17853334). For these reasons, this variant has been classified as Pathogenic. This variant has not been reported in the literature in individuals affected with MEN1-related conditions. This variant is not present in population databases (gnomAD no frequency).

Literature cited by the submitters: PubMed 12112656; PubMed 17853334.